The following is an entry in ClinVar:

NM_001005242.3(PKP2):c.2158A>C (p.Asn720His)

Gene: PKP2 (plakophilin 2; minus strand). Cytogenetic location: 12p11.21.
Variant type: single nucleotide variant.
Coding change: c.2158A>C on transcript NM_001005242.3 (MANE Select); coding-DNA position 2158, A replaced by C.
Protein change: p.Asn720His; replaces asparagine 720 with histidine.
Molecular consequence: missense variant.
Genome position (GRCh38, 1-based): chr12:32,802,412, T>G on the plus strand (A>C on the coding strand, the complement: PKP2 is on the minus strand). VCF-style: chr12-32802412-T-G. GRCh37 (hg19) VCF-style: chr12-32955346-T-G.
Other names: c.2158A>C, p.Asn720His (NM_001407155.1); c.1993A>C, p.Asn665His (NM_001407156.1); c.1831A>C, p.Asn611His (NM_001407158.1, NM_001407159.1, NM_001407160.1); c.2290A>C, p.Asn764His (NM_004572.4); short protein forms N611H, N665H, N720H, N764H.
Identifiers: ClinVar variation 3070400 (VCV003070400.1), dbSNP rs750463185, ClinGen allele CA034014.
Genomic context (GRCh38, chr12:32,802,412, plus strand): 5'-ATTGTATCTTCAGCATGTACATATTACACATAGATACTTATACCGACTCACCAATTTCAT[T>G]CTGCAGAGAAAGATTCCGGGACAGATTCCTCAGCAGCGAGATGGCTGTCTTTTTCACACT-3'
Protein context (NP_001005242.2, residues 710-730): RNLSRNLSLQ[Asn720His]EIAKETLPDL

ClinVar aggregate classification (germline): Uncertain significance (1 of 4 stars; one submission).

Conditions:
Arrhythmogenic right ventricular cardiomyopathy (ARVD). Also called: Arrhythmogenic right ventricular dysplasia; Cardiomyopathy, ARVC; Arrhythmogenic cardiomyopathy; Arrhythmogenic Right Ventricular Cardiomyopathy (ARVC). Identifiers: Orphanet 247, MedGen C0349788, MeSH D019571, MONDO:0016587. Disease mechanism: loss of function. Inheritance: Various modes of inheritance.

Allele frequency attached by ClinVar (database versions not stated): gnomAD exomes below 0.00001; ExAC 0.00001.
gnomAD v4.1: 6 of 1,614,094 alleles (0.00037%); highest among the groups gnomAD compares: Non-Finnish European, 0.00042%; no homozygotes.

Submission:

All of Us Research Program, National Institutes of Health
Classification: Uncertain significance for Arrhythmogenic right ventricular cardiomyopathy. Last evaluated: 2023-04-10. Review status: criteria provided, single submitter. Criteria: ACMG Guidelines, 2015. Collection method: clinical testing. Allele origin: germline. Inheritance: Autosomal dominant inheritance. Observed: 1 variant allele, 1 heterozygote.
Comment: This missense variant replaces asparagine with histidine at codon 764 of the PKP2 protein. Computational prediction suggests that this variant may not impact protein structure and function (internally defined REVEL score threshold <= 0.5, PMID: 27666373). To our knowledge, functional studies have not been reported for this variant. This variant has not been reported in individuals affected with PKP2-related disorders in the literature. This variant has been identified in 2/251424 chromosomes in the general population by the Genome Aggregation Database (gnomAD). The available evidence is insufficient to determine the role of this variant in disease conclusively. Therefore, this variant is classified as a Variant of Uncertain Significance.

This study involves interpretation of variants in research participants for the purpose of population health screening. Participant phenotype was not available at the time of variant classification. Additional details can be found in publication PMID: 35346344, PMCID: PMC8962531